The following is an entry in ClinVar:

NM_000051.4(ATM):c.5870A>C (p.Tyr1957Ser)

Genes: ATM (ATM serine/threonine kinase; plus strand), C11orf65 (chromosome 11 open reading frame 65; minus strand). Cytogenetic location: 11q22.3.
Variant type: single nucleotide variant.
Coding change: c.5870A>C on transcript NM_000051.4 (MANE Select); coding-DNA position 5870, A replaced by C.
Protein change: p.Tyr1957Ser; replaces tyrosine 1957 with serine.
Molecular consequence: missense variant. On other transcripts: intron variant (2).
Genome position (GRCh38, 1-based): chr11:108,310,267, A>C. VCF-style: chr11-108310267-A-C. GRCh37 (hg19) VCF-style: chr11-108180994-A-C.
Other names: c.5870A>C, p.Tyr1957Ser (NM_001351834.2); c.641-1196T>G (NM_001330368.2); c.*39-1196T>G (NM_001351110.2); short protein forms Y1957S.
Identifiers: ClinVar variation 826024 (VCV000826024.8), dbSNP rs1591746364, ClinGen allele CA382548500.
Genomic context (GRCh38, chr11:108,310,267, plus strand): 5'-ATTATCTAGAAGTTGCCAAGGTAGCTCAGTCTTGTGCTGCTCACTTTACAGCTTTACTCT[A>C]TGCAGAAATCTATGCAGATAAGAAAAGTATGGATGATCAAGAGAAAAGGTAATGGAATTT-3'
Protein context (NP_000042.3, residues 1947-1967): SCAAHFTALL[Tyr1957Ser]AEIYADKKSM

ClinVar aggregate classification (germline): Uncertain significance. Review status: criteria provided, multiple submitters, no conflicts (2 of 4 stars). 2 submissions from 2 submitters: Uncertain significance (2). Last evaluated 2024-03-20.

Conditions:
Hereditary cancer-predisposing syndrome. Also called: Tumor predisposition; Neoplastic Syndromes, Hereditary; Hereditary Cancer Syndrome; Hereditary neoplastic syndrome. Identifiers: Orphanet 140162, MedGen C0027672, MeSH D009386, MONDO:0015356.
Ataxia-telangiectasia syndrome (AT). Also called: ATAXIA-TELANGIECTASIA, COMPLEMENTATION GROUP A; ATAXIA-TELANGIECTASIA, FRESNO VARIANT; Ataxia-telangiectasia; Ataxia-telangiectasia, complementation group D; AT, COMPLEMENTATION GROUP C; Ataxia-telangiectasia, complementation group E. Identifiers: Orphanet 100, MedGen C0004135, MONDO:0008840, OMIM 208900.

Submissions (2):

Labcorp Genetics (formerly Invitae), Labcorp
Classification: Uncertain significance for Ataxia-telangiectasia syndrome. Last evaluated: 2024-03-20. Review status: criteria provided, single submitter. Criteria: Invitae Variant Classification Sherloc (09022015). Collection method: clinical testing. Allele origin: germline.
Comment: This sequence change replaces tyrosine, which is neutral and polar, with serine, which is neutral and polar, at codon 1957 of the ATM protein (p.Tyr1957Ser). This variant is not present in population databases (gnomAD no frequency). This variant has not been reported in the literature in individuals affected with ATM-related conditions. ClinVar contains an entry for this variant (Variation ID: 826024). An algorithm developed to predict the effect of missense changes on protein structure and function (PolyPhen-2) suggests that this variant is likely to be disruptive. In summary, the available evidence is currently insufficient to determine the role of this variant in disease. Therefore, it has been classified as a Variant of Uncertain Significance.

Ambry Genetics
Classification: Uncertain significance for Hereditary cancer-predisposing syndrome. Last evaluated: 2022-04-01. Review status: criteria provided, single submitter. Criteria: Ambry Variant Classification Scheme 2023. Collection method: clinical testing. Allele origin: germline.
Comment: The p.Y1957S variant (also known as c.5870A>C), located in coding exon 38 of the ATM gene, results from an A to C substitution at nucleotide position 5870. The tyrosine at codon 1957 is replaced by serine, an amino acid with dissimilar properties. This amino acid position is highly conserved in available vertebrate species. In addition, the in silico prediction for this alteration is inconclusive. Since supporting evidence is limited at this time, the clinical significance of this alteration remains unclear.